The following is an entry in ClinVar:

NM_025179.4(PLXNA2):c.1608-4G>T

Gene: PLXNA2 (plexin A2; minus strand). Cytogenetic location: 1q32.2.
Variant type: single nucleotide variant.
Coding change: c.1608-4G>T on transcript NM_025179.4 (MANE Select); 4 bases into the intron before coding-DNA position 1608, G replaced by T.
Molecular consequence: intron variant.
Genome position (GRCh38, 1-based): chr1:208,098,973, C>A on the plus strand (G>T on the coding strand, the complement: PLXNA2 is on the minus strand). VCF-style: chr1-208098973-C-A. GRCh37 (hg19) VCF-style: chr1-208272318-C-A.
Identifiers: ClinVar variation 4982739 (VCV004982739.1).

ClinVar aggregate classification (germline): Likely benign (1 of 4 stars; one submission).

Conditions:
PLXNA2-related disorder. Also called: PLXNA2-related condition.

gnomAD v4.1: 12 of 1,612,544 alleles (0.00074%); highest among the groups gnomAD compares: East Asian, 0.02%; no homozygotes.

Submission:

PreventionGenetics, part of Exact Sciences
Classification: Likely benign for PLXNA2-related condition. Last evaluated: 2026-05-20. Review status: criteria provided, single submitter. Criteria: ACMG Guidelines, 2015. Collection method: clinical testing. Allele origin: germline.
Comment: This variant is classified as likely benign based on ACMG/AMP sequence variant interpretation guidelines (Richards et al. 2015 PMID: 25741868, with internal and published modifications).